The following is an entry in ClinVar:

ClinVar aggregate classification (germline): Benign/Likely benign. Review status: criteria provided, multiple submitters, no conflicts (2 of 4 stars). 2 submissions from 2 submitters: Benign (1); Likely benign (1). Last evaluated 2024-06-04.

Submissions (2):

Women's Health and Genetics/Laboratory Corporation of America, LabCorp
Classification: Benign. Last evaluated: 2024-06-04. Review status: criteria provided, single submitter. Criteria: LabCorp Variant Classification Summary - May 2015. Collection method: clinical testing. Allele origin: germline.
Comment: Variant summary: PRKG1 c.1963-19dupA alters a conserved nucleotide located at a position not widely known to affect splicing. Consensus agreement among computation tools predict no significant impact on normal splicing. However, these predictions have yet to be confirmed by functional studies. The variant allele was found at a frequency of 0.00019 in 236416 control chromosomes. The observed variant frequency is approximately 15.57 fold of the estimated maximal expected allele frequency for a pathogenic variant in PRKG1 causing Thoracic Aortic Aneurysms And Dissections phenotype (1.3e-05). To our knowledge, no occurrence of c.1963-19dupA in individuals affected with Thoracic Aortic Aneurysms And Dissections and no experimental evidence demonstrating its impact on protein function have been reported. ClinVar contains an entry for this variant (Variation ID: 515974). Based on the evidence outlined above, the variant was classified as benign.

GeneDx
Classification: Likely benign. Last evaluated: 2018-03-05. Review status: criteria provided, single submitter. Criteria: GeneDx Variant Classification (06012015). Collection method: clinical testing. Allele origin: germline. Affected: yes.
Comment: This variant is considered likely benign or benign based on one or more of the following criteria: it is a conservative change, it occurs at a poorly conserved position in the protein, it is predicted to be benign by multiple in silico algorithms, and/or has population frequency not consistent with disease.

NM_006258.4(PRKG1):c.1963-19dup

Gene: PRKG1 (protein kinase cGMP-dependent 1; plus strand). Cytogenetic location: 10q21.1.
Variant type: Duplication.
Coding change: c.1963-19dup on transcript NM_006258.4 (MANE Select); 19 bases into the intron before coding-DNA position 1963, one base duplicated (A; older notation c.1963-19dupA).
Molecular consequence: intron variant.
Genome position (GRCh38, 1-based): chr10:52,293,783, A duplicated; the last of 8 consecutive A bases (chr10:52,293,776-52,293,783); duplicating any one gives the same sequence. VCF-style (leftmost placement, unchanged base first): chr10-52293775-T-TA. GRCh37 (hg19) VCF-style: chr10-54053535-T-TA.
Other names: c.1918-19dup (NM_001098512.3); c.1963-19dupA (NM_006258.3, NM_006258.4).
Identifiers: ClinVar variation 515974 (VCV000515974.2), dbSNP rs145115489, ClinGen allele CA5503995.
Genomic context (GRCh38, chr10:52,293,775, plus strand): 5'-GGAATAAATACAGAATGCACTTAAAAATTCCAGCTTGGAATTCCACTAAAAAAAATCCAC[T>TA]AAAAAAAACCTGTCCATTTTTTACAGGTTGCATCACCCACAGACACAAGTAATTTTGACA-3'